The following is an entry in ClinVar:

NM_181332.3(NLGN4X):c.323C>G (p.Ala108Gly)

Gene: NLGN4X (neuroligin 4 X-linked; minus strand). Cytogenetic location: Xp22.31.
Variant type: single nucleotide variant.
Coding change: c.323C>G on transcript NM_181332.3 (MANE Select); coding-DNA position 323, C replaced by G.
Protein change: p.Ala108Gly; replaces alanine 108 with glycine.
Molecular consequence: missense variant.
Genome position (GRCh38, 1-based): chrX:6,151,144, G>C on the plus strand (C>G on the coding strand, the complement: NLGN4X is on the minus strand). VCF-style: chrX-6151144-G-C. GRCh37 (hg19) VCF-style: chrX-6069185-G-C.
Other names: c.323C>G, p.Ala108Gly (NM_001282145.2, NM_001282146.2, NM_020742.4); short protein forms A108G.
Identifiers: ClinVar variation 1704115 (VCV001704115.2), dbSNP rs2040156131, ClinGen allele CA412014993.

ClinVar aggregate classification (germline): Uncertain significance (1 of 4 stars; one submission).

Allele frequency attached by ClinVar (database versions not stated): gnomAD exomes below 0.00001; TOPMed below 0.00001; gnomAD 0.00001.
gnomAD v4.1: 3 of 1,210,055 alleles (0.00025%); highest among the groups gnomAD compares: Non-Finnish European, 0.00034%; no homozygotes.

Submission:

GeneDx
Classification: Uncertain significance. Last evaluated: 2022-02-28. Review status: criteria provided, single submitter. Criteria: GeneDx Variant Classification Process June 2021. Collection method: clinical testing. Allele origin: germline. Affected: yes.
Comment: Not observed at significant frequency in large population cohorts (gnomAD); In silico analysis supports that this missense variant does not alter protein structure/function; Has not been previously published as pathogenic or benign to our knowledge